The following is an entry in ClinVar:

NM_003000.3(SDHB):c.798C>G (p.Ile266Met)

Gene: SDHB (succinate dehydrogenase complex iron sulfur subunit B; minus strand). Cytogenetic location: 1p36.13.
Variant type: single nucleotide variant.
Coding change: c.798C>G on transcript NM_003000.3 (MANE Select); coding-DNA position 798, C replaced by G.
Protein change: p.Ile266Met; replaces isoleucine 266 with methionine.
Molecular consequence: missense variant.
Genome position (GRCh38, 1-based): chr1:17,018,926, G>C on the plus strand (C>G on the coding strand, the complement: SDHB is on the minus strand). VCF-style: chr1-17018926-G-C. GRCh37 (hg19) VCF-style: chr1-17345421-G-C.
Other names: c.798C>G (NM_003000.2); short protein forms I266M.
Identifiers: ClinVar variation 1414953 (VCV001414953.9), dbSNP rs760042733, ClinGen allele CA338268923.

ClinVar aggregate classification (germline): Uncertain significance. Review status: criteria provided, multiple submitters, no conflicts (2 of 4 stars). 2 submissions from 2 submitters: Uncertain significance (2). Last evaluated 2025-02-13.

Conditions:
Pheochromocytoma. Also called: MAX-Related Hereditary Paraganglioma-Pheochromocytoma Syndrome. Identifiers: Orphanet 29072, MedGen C0031511, MONDO:0008233, OMIM 171300, HP:0002666.
Pheochromocytoma/paraganglioma syndrome 4. Also called: CAROTID BODY TUMORS AND MULTIPLE EXTRAADRENAL PHEOCHROMOCYTOMAS; PARAGANGLIOMA, FAMILIAL MALIGNANT; PARAGANGLIOMAS, HEREDITARY EXTRAADRENAL; PHEOCHROMOCYTOMA, FAMILIAL EXTRAADRENAL; Paragangliomas 4; SDHB-Related Hereditary Paraganglioma-Pheochromocytoma Syndrome (Paragangliomas 4). Identifiers: Orphanet 29072, MedGen C1861848, MONDO:0007273, OMIM 115310.
Gastrointestinal stromal tumor. Also called: Gastrointestinal stroma tumor; Gastrointestinal stromal tumor, somatic. Identifiers: Orphanet 44890, MedGen C0238198, MeSH D046152, MONDO:0011719, OMIM 606764, HP:0100723.
Hereditary cancer-predisposing syndrome. Also called: Tumor predisposition; Hereditary Cancer Syndrome; Hereditary neoplastic syndrome; Neoplastic Syndromes, Hereditary. Identifiers: Orphanet 140162, MedGen C0027672, MeSH D009386, MONDO:0015356.

Allele frequency attached by ClinVar (database versions not stated): gnomAD 0.00001.
gnomAD v4.1: 3 of 1,612,606 alleles (0.00019%); highest among the groups gnomAD compares: African/African-American, 0.004%; no homozygotes.

Submissions (2):

Ambry Genetics
Classification: Uncertain significance for Hereditary cancer-predisposing syndrome. Last evaluated: 2025-02-13. Review status: criteria provided, single submitter. Criteria: Ambry Variant Classification Scheme 2023. Collection method: clinical testing. Allele origin: germline.
Comment: The p.I266M variant (also known as c.798C>G), located in coding exon 8 of the SDHB gene, results from a C to G substitution at nucleotide position 798. The isoleucine at codon 266 is replaced by methionine, an amino acid with highly similar properties. This amino acid position is highly conserved in available vertebrate species. In addition, this alteration is predicted to be deleterious by in silico analysis. Based on the available evidence, the clinical significance of this variant remains unclear.

Labcorp Genetics (formerly Invitae), Labcorp
Classification: Uncertain significance for Gastrointestinal stromal tumor; Pheochromocytoma/paraganglioma syndrome 4; Pheochromocytoma. Last evaluated: 2022-05-07. Review status: criteria provided, single submitter. Criteria: Invitae Variant Classification Sherloc (09022015). Collection method: clinical testing. Allele origin: germline.
Comment: This variant has not been reported in the literature in individuals affected with SDHB-related conditions. This variant is not present in population databases (gnomAD no frequency). This sequence change replaces isoleucine, which is neutral and non-polar, with methionine, which is neutral and non-polar, at codon 266 of the SDHB protein (p.Ile266Met). Algorithms developed to predict the effect of missense changes on protein structure and function are either unavailable or do not agree on the potential impact of this missense change (SIFT: "Deleterious"; PolyPhen-2: "Benign"; Align-GVGD: "Class C0"). In summary, the available evidence is currently insufficient to determine the role of this variant in disease. Therefore, it has been classified as a Variant of Uncertain Significance.